The following is an entry in ClinVar:

NM_001378120.1(MBD5):c.3944A>G (p.Asp1315Gly)

Gene: MBD5 (methyl-CpG binding domain protein 5; plus strand). Cytogenetic location: 2q23.1.
Variant type: single nucleotide variant.
Coding change: c.3944A>G on transcript NM_001378120.1 (MANE Select); coding-DNA position 3944, A replaced by G.
Protein change: p.Asp1315Gly; replaces aspartic acid 1315 with glycine.
Molecular consequence: missense variant.
Genome position (GRCh38, 1-based): chr2:148,489,576, A>G. VCF-style: chr2-148489576-A-G. GRCh37 (hg19) VCF-style: chr2-149247145-A-G.
Other names: c.3245A>G, p.Asp1082Gly (NM_018328.5); short protein forms D1082G, D1315G.
Identifiers: ClinVar variation 3620685 (VCV003620685.2).

ClinVar aggregate classification (germline): Uncertain significance (1 of 4 stars; one submission).

Conditions:
Intellectual developmental disorder, autosomal dominant 1. Also called: MBD5 Haploinsufficiency; Intellectual disability, autosomal dominant 1. Identifiers: Orphanet 228402, MedGen C1969562, MONDO:0007974, OMIM 156200.

gnomAD v4.1: 1 of 1,614,164 alleles (0.000062%); highest among the groups gnomAD compares: Non-Finnish European, 0.000085%; no homozygotes.

Submission:

Labcorp Genetics (formerly Invitae), Labcorp
Classification: Uncertain significance for Intellectual developmental disorder, autosomal dominant 1. Last evaluated: 2025-02-06. Review status: criteria provided, single submitter. Criteria: Invitae Variant Classification Sherloc (09022015). Collection method: clinical testing. Allele origin: germline.
Comment: This sequence change replaces aspartic acid, which is acidic and polar, with glycine, which is neutral and non-polar, at codon 1082 of the MBD5 protein (p.Asp1082Gly). This variant is not present in population databases (gnomAD no frequency). This variant has not been reported in the literature in individuals affected with MBD5-related conditions. Invitae Evidence Modeling of protein sequence and biophysical properties (such as structural, functional, and spatial information, amino acid conservation, physicochemical variation, residue mobility, and thermodynamic stability) indicates that this missense variant is not expected to disrupt MBD5 protein function with a negative predictive value of 80%. In summary, the available evidence is currently insufficient to determine the role of this variant in disease. Therefore, it has been classified as a Variant of Uncertain Significance.